The following is an entry in ClinVar:

ClinVar aggregate classification (germline): Conflicting classifications of pathogenicity. Review status: criteria provided, conflicting classifications (1 of 4 stars). 4 submissions from 4 submitters: Uncertain significance (3); Benign (1). Last evaluated 2025-11-10.

Conditions:
Neuroblastoma, susceptibility to, 3. Also called: ALK-Related Neuroblastic Tumor Susceptibility. Identifiers: Orphanet 635, MedGen C2751681, MONDO:0013083, OMIM 613014.
Hereditary cancer-predisposing syndrome. Also called: Hereditary neoplastic syndrome; Neoplastic Syndromes, Hereditary; Tumor predisposition; Hereditary Cancer Syndrome. Identifiers: Orphanet 140162, MedGen C0027672, MeSH D009386, MONDO:0015356.

Allele frequency attached by ClinVar (database versions not stated): TOPMed 0.00004; gnomAD exomes 0.00006 and 0.00003; gnomAD 0.00001; ExAC 0.00002.
gnomAD v4.1: 16 of 1,613,852 alleles (0.00099%); highest among the groups gnomAD compares: Admixed American, 0.027%; no homozygotes.

Submissions (4):

Labcorp Genetics (formerly Invitae), Labcorp
Classification: Uncertain significance for Neuroblastoma, susceptibility to, 3. Last evaluated: 2025-11-10. Review status: criteria provided, single submitter. Criteria: Invitae Variant Classification Sherloc (09022015). Collection method: clinical testing. Allele origin: germline.
Comment: This sequence change replaces methionine, which is neutral and non-polar, with isoleucine, which is neutral and non-polar, at codon 233 of the ALK protein (p.Met233Ile). This variant is present in population databases (rs778129557, gnomAD 0.04%), and has an allele count higher than expected for a pathogenic variant. This variant has not been reported in the literature in individuals affected with ALK-related conditions. ClinVar contains an entry for this variant (Variation ID: 470896). An algorithm developed to predict the effect of missense changes on protein structure and function outputs the following: PolyPhen-2: "Benign". The isoleucine amino acid residue is found in multiple mammalian species, which suggests that this missense change does not adversely affect protein function. In summary, the available evidence is currently insufficient to determine the role of this variant in disease. Therefore, it has been classified as a Variant of Uncertain Significance.

Ambry Genetics
Classification: Benign for Hereditary cancer-predisposing syndrome. Last evaluated: 2024-10-28. Review status: criteria provided, single submitter. Criteria: Ambry Variant Classification Scheme 2023. Collection method: clinical testing. Allele origin: germline.

GeneDx
Classification: Uncertain significance. Last evaluated: 2023-10-03. Review status: criteria provided, single submitter. Criteria: GeneDx Variant Classification Process June 2021. Collection method: clinical testing. Allele origin: germline. Affected: yes.
Comment: In silico analysis supports that this missense variant does not alter protein structure/function; Has not been previously published as pathogenic or benign to our knowledge

St. Jude Molecular Pathology, St. Jude Children's Research Hospital
Classification: Uncertain significance for Neuroblastoma, susceptibility to, 3. Last evaluated: 2023-04-14. Review status: criteria provided, single submitter. Criteria: St. Jude Assertion Criteria 2020. Collection method: clinical testing. Allele origin: germline.
Comment: The ALK c.699G>A (p.Met233Ile) missense change has a maximum subpopulation frequency of 0.04% in gnomAD v2.1.1. The in silico tool REVEL predicts a benign effect on protein function, but to our knowledge this prediction has not been confirmed by functional studies. To our knowledge, this variant has not been reported in the literature in individuals with ALK-related neuroblastic tumor susceptibility. In summary, the evidence currently available is insufficient to determine the clinical significance of this variant. It has therefore been classified as of uncertain significance.

NM_004304.5(ALK):c.699G>A (p.Met233Ile)

Gene: ALK (ALK receptor tyrosine kinase; minus strand). Cytogenetic location: 2p23.2.
Variant type: single nucleotide variant.
Coding change: c.699G>A on transcript NM_004304.5 (MANE Select); coding-DNA position 699, G replaced by A.
Protein change: p.Met233Ile; replaces methionine 233 with isoleucine.
Molecular consequence: missense variant.
Genome position (GRCh38, 1-based): chr2:29,717,666, C>T on the plus strand (G>A on the coding strand, the complement: ALK is on the minus strand). VCF-style: chr2-29717666-C-T. GRCh37 (hg19) VCF-style: chr2-29940532-C-T.
Other names: short protein forms M233I.
Identifiers: ClinVar variation 470896 (VCV000470896.12), dbSNP rs778129557, ClinGen allele CA1594893.